The following is an entry in ClinVar:

NM_020964.3(EPG5):c.6187C>T (p.Leu2063=)

Gene: EPG5 (ectopic P-granules 5 autophagy tethering factor; minus strand). Cytogenetic location: 18q12.3.
Variant type: single nucleotide variant.
Coding change: c.6187C>T on transcript NM_020964.3 (MANE Select); coding-DNA position 6187, C replaced by T.
Protein change: p.Leu2063=; no amino-acid change (leucine 2063 retained).
Molecular consequence: synonymous variant.
Genome position (GRCh38, 1-based): chr18:45,870,605, G>A on the plus strand (C>T on the coding strand, the complement: EPG5 is on the minus strand). VCF-style: chr18-45870605-G-A. GRCh37 (hg19) VCF-style: chr18-43450570-G-A.
Identifiers: ClinVar variation 1669742 (VCV001669742.12), dbSNP rs767925401, ClinGen allele CA8948351.

ClinVar aggregate classification (germline): Likely benign. Review status: criteria provided, multiple submitters, no conflicts (2 of 4 stars). 3 submissions from 3 submitters: Likely benign (3). Last evaluated 2026-05-01.

Conditions:
Vici syndrome (VICIS). Identifiers: Orphanet 1493, MedGen C1855772, MONDO:0009452, OMIM 242840.

gnomAD v4.1: 34 of 1,613,946 alleles (0.0021%); highest among the groups gnomAD compares: Admixed American, 0.02%; no homozygotes.

Submissions (3):

CeGaT Center for Human Genetics Tuebingen
Classification: Likely benign. Last evaluated: 2026-05-01. Review status: criteria provided, single submitter. Criteria: CeGaT Center For Human Genetics Tuebingen Variant Classification Criteria Version 2. Collection method: clinical testing. Allele origin: germline. Affected: yes. Observed: 1 variant allele.
Comment: EPG5: BP4, BP7

Labcorp Genetics (formerly Invitae), Labcorp
Classification: Likely benign for Vici syndrome. Last evaluated: 2025-12-15. Review status: criteria provided, single submitter. Criteria: Invitae Variant Classification Sherloc (09022015). Collection method: clinical testing. Allele origin: germline.

Blueprint Genetics
Classification: Likely benign. Last evaluated: 2024-05-03. Review status: criteria provided, single submitter. Criteria: ACMG Guidelines, 2015. Collection method: clinical testing. Allele origin: germline.